The following is an entry in ClinVar:

NM_000038.6(APC):c.6462A>T (p.Gln2154His)

Gene: APC (APC regulator of Wnt signaling pathway; plus strand). Cytogenetic location: 5q22.2.
Variant type: single nucleotide variant.
Coding change: c.6462A>T on transcript NM_000038.6 (MANE Select); coding-DNA position 6462, A replaced by T.
Protein change: p.Gln2154His; replaces glutamine 2154 with histidine.
Molecular consequence: missense variant. On other transcripts: non-coding transcript variant (2).
Genome position (GRCh38, 1-based): chr5:112,842,056, A>T. VCF-style: chr5-112842056-A-T. GRCh37 (hg19) VCF-style: chr5-112177753-A-T.
Other names: c.5310A>T, p.Gln1770His (NM_001407471.1, NM_001407472.1); c.6462A>T, p.Gln2154His (NM_001127510.3, NM_001354895.2, NM_001407450.1); c.6408A>T, p.Gln2136His (NM_001127511.3); c.6516A>T, p.Gln2172His (NM_001354896.2, NM_001407447.1, NM_001407448.1 and 1 more transcripts); c.6492A>T, p.Gln2164His (NM_001354897.2); c.6387A>T, p.Gln2129His (NM_001354898.2); c.6378A>T, p.Gln2126His (NM_001354899.2); c.6339A>T, p.Gln2113His (NM_001354900.2); and 11 more; short protein forms Q1994H, Q2028H, Q2113H, Q2144H, Q2147H, Q2154H, Q2182H, Q2025H.
Identifiers: ClinVar variation 3410262 (VCV003410262.1).

ClinVar aggregate classification (germline): Uncertain significance (1 of 4 stars; one submission).

Conditions:
Hereditary cancer-predisposing syndrome. Also called: Neoplastic Syndromes, Hereditary; Tumor predisposition; Hereditary Cancer Syndrome; Hereditary neoplastic syndrome. Identifiers: Orphanet 140162, MedGen C0027672, MeSH D009386, MONDO:0015356.

Submission:

Ambry Genetics
Classification: Uncertain significance for Hereditary cancer-predisposing syndrome. Last evaluated: 2024-08-16. Review status: criteria provided, single submitter. Criteria: Ambry Variant Classification Scheme 2023. Collection method: clinical testing. Allele origin: germline.
Comment: The p.Q2154H variant (also known as c.6462A>T), located in coding exon 15 of the APC gene, results from an A to T substitution at nucleotide position 6462. The glutamine at codon 2154 is replaced by histidine, an amino acid with highly similar properties. This amino acid position is conserved. In addition, in silico predictors for this gene do not accurately predict pathogenicity. Based on the available evidence, the clinical significance of this variant remains unclear.